The following is an entry in ClinVar:

NM_007194.4(CHEK2):c.328A>G (p.Asn110Asp)

Gene: CHEK2 (checkpoint kinase 2; minus strand). Cytogenetic location: 22q12.1.
Variant type: single nucleotide variant.
Coding change: c.328A>G on transcript NM_007194.4 (MANE Select); coding-DNA position 328, A replaced by G.
Protein change: p.Asn110Asp; replaces asparagine 110 with aspartic acid.
Molecular consequence: missense variant.
Genome position (GRCh38, 1-based): chr22:28,725,359, T>C on the plus strand (A>G on the coding strand, the complement: CHEK2 is on the minus strand). VCF-style: chr22-28725359-T-C. GRCh37 (hg19) VCF-style: chr22-29121347-T-C.
Other names: c.457A>G, p.Asn153Asp (NM_001005735.3); c.-450A>G (NM_001257387.3); c.328A>G, p.Asn110Asp (NM_001349956.3, NM_145862.3); short protein forms N110D, N153D.
Identifiers: ClinVar variation 240745 (VCV000240745.22), dbSNP rs878854919, ClinGen allele CA10583914.

ClinVar aggregate classification (germline): Uncertain significance. Review status: criteria provided, multiple submitters, no conflicts (2 of 4 stars). 7 submissions from 7 submitters: Uncertain significance (7). Last evaluated 2025-05-18.

Conditions:
Hereditary cancer-predisposing syndrome. Also called: Tumor predisposition; Neoplastic Syndromes, Hereditary; Hereditary Cancer Syndrome; Hereditary neoplastic syndrome. Identifiers: Orphanet 140162, MedGen C0027672, MeSH D009386, MONDO:0015356.
Familial cancer of breast. Also called: Hereditary breast cancer; BREAST CANCER, FAMILIAL; hereditary breast carcinoma. Identifiers: Orphanet 227535, MedGen C0346153, MONDO:0016419, OMIM 114480. Disease mechanism: loss of function.

Submissions (7):

Labcorp Genetics (formerly Invitae), Labcorp
Classification: Uncertain significance for Familial cancer of breast. Last evaluated: 2025-05-18. Review status: criteria provided, single submitter. Criteria: Invitae Variant Classification Sherloc (09022015). Collection method: clinical testing. Allele origin: germline.
Comment: This sequence change replaces asparagine, which is neutral and polar, with aspartic acid, which is acidic and polar, at codon 110 of the CHEK2 protein (p.Asn110Asp). This variant is not present in population databases (gnomAD no frequency). This variant has not been reported in the literature in individuals affected with CHEK2-related conditions. ClinVar contains an entry for this variant (Variation ID: 240745). An algorithm developed to predict the effect of missense changes on protein structure and function (PolyPhen-2) suggests that this variant is likely to be tolerated. In summary, the available evidence is currently insufficient to determine the role of this variant in disease. Therefore, it has been classified as a Variant of Uncertain Significance.

Quest Diagnostics Nichols Institute San Juan Capistrano
Classification: Uncertain significance. Last evaluated: 2025-02-15. Review status: criteria provided, single submitter. Criteria: Quest Diagnostics criteria. Collection method: clinical testing. Allele origin: unknown.
Comment: The CHEK2 c.328A>G (p.Asn110Asp) variant has been identified in the published literature in a reportedly healthy individual (PMID: 33471991 (2021)). This variant has not been reported in large, multi-ethnic general populations (Genome Aggregation Database). Analysis of this variant using bioinformatics tools for the prediction of the effect of amino acid changes on protein structure and function yielded predictions that this variant is benign. Based on the available information, we are unable to determine the clinical significance of this variant.

GeneDx
Classification: Uncertain significance. Last evaluated: 2023-10-27. Review status: criteria provided, single submitter. Criteria: GeneDx Variant Classification Process June 2021. Collection method: clinical testing. Allele origin: germline. Affected: yes.
Comment: Not observed at significant frequency in large population cohorts (gnomAD); In silico analysis supports that this missense variant does not alter protein structure/function; Has not been previously published as pathogenic or benign to our knowledge; This variant is associated with the following publications: (PMID: 22419737, 19782031)

Ambry Genetics
Classification: Uncertain significance for Hereditary cancer-predisposing syndrome. Last evaluated: 2023-06-14. Review status: criteria provided, single submitter. Criteria: Ambry Variant Classification Scheme 2023. Collection method: clinical testing. Allele origin: germline.
Comment: The p.N110D variant (also known as c.328A>G), located in coding exon 2 of the CHEK2 gene, results from an A to G substitution at nucleotide position 328. The asparagine at codon 110 is replaced by aspartic acid, an amino acid with highly similar properties. This amino acid position is not well conserved in available vertebrate species. In addition, this alteration is predicted to be tolerated by in silico analysis. Since supporting evidence is limited at this time, the clinical significance of this alteration remains unclear.

Women's Health and Genetics/Laboratory Corporation of America, LabCorp
Classification: Uncertain significance. Last evaluated: 2022-04-19. Review status: criteria provided, single submitter. Criteria: LabCorp Variant Classification Summary - May 2015. Collection method: clinical testing. Allele origin: germline.

Color Diagnostics, LLC DBA Color Health
Classification: Uncertain significance for Hereditary cancer-predisposing syndrome. Last evaluated: 2021-01-04. Review status: criteria provided, single submitter. Criteria: ACMG Guidelines, 2015. Collection method: clinical testing. Allele origin: germline.
Comment: This missense variant replaces asparagine with aspartic acid at codon 110 of the CHEK2 protein. Computational prediction suggests that this variant may not impact protein structure and function (internally defined REVEL score threshold <= 0.5, PMID: 27666373). To our knowledge, functional studies have not been reported for this variant. This variant has not been reported in individuals affected with hereditary cancer in the literature. This variant has not been identified in the general population by the Genome Aggregation Database (gnomAD). The available evidence is insufficient to determine the role of this variant in disease conclusively. Therefore, this variant is classified as a Variant of Uncertain Significance.

Mendelics
Classification: Uncertain significance for Familial cancer of breast. Last evaluated: 2019-05-28. Review status: criteria provided, single submitter. Criteria: Mendelics Assertion Criteria 2017. Collection method: clinical testing. Allele origin: unknown.

Literature cited by the submitters: PubMed 33471991 (cited by Quest Diagnostics Nichols Institute San Juan Capistrano).